The following is an entry in ClinVar:

ClinVar aggregate classification (germline): Uncertain significance. Review status: criteria provided, multiple submitters, no conflicts (2 of 4 stars). 2 submissions from 2 submitters: Uncertain significance (2). Last evaluated 2025-04-25.

Conditions:
Nephronophthisis 14 (NPHP14). Identifiers: Orphanet 2318, MedGen C3539071, MONDO:0013916, OMIM 614844.

Allele frequency attached by ClinVar (database versions not stated): gnomAD 0.00005 and 0.00004; 1000 Genomes Project 0.00020; gnomAD exomes 0.00004 and 0.00002; ExAC 0.00005; ESP Exome Variant Server 0.00008; 1000 Genomes Project 30x 0.00031.
gnomAD v4.1: 33 of 1,613,978 alleles (0.002%); highest among the groups gnomAD compares: African/African-American, 0.019%; 1 homozygote.

Submissions (2):

Ambry Genetics
Classification: Uncertain significance. Last evaluated: 2025-04-25. Review status: criteria provided, single submitter. Criteria: Ambry Variant Classification Scheme 2023. Collection method: clinical testing. Allele origin: germline.

Labcorp Genetics (formerly Invitae), Labcorp
Classification: Uncertain significance for Nephronophthisis 14. Last evaluated: 2022-07-19. Review status: criteria provided, single submitter. Criteria: Invitae Variant Classification Sherloc (09022015). Collection method: clinical testing. Allele origin: germline.
Comment: This sequence change replaces threonine, which is neutral and polar, with methionine, which is neutral and non-polar, at codon 841 of the ZNF423 protein (p.Thr841Met). This variant is present in population databases (rs375710152, gnomAD 0.01%). This variant has not been reported in the literature in individuals affected with ZNF423-related conditions. ClinVar contains an entry for this variant (Variation ID: 1058440). Algorithms developed to predict the effect of missense changes on protein structure and function are either unavailable or do not agree on the potential impact of this missense change (SIFT: "Tolerated"; PolyPhen-2: "Possibly Damaging"; Align-GVGD: "Class C0"). In summary, the available evidence is currently insufficient to determine the role of this variant in disease. Therefore, it has been classified as a Variant of Uncertain Significance.

NM_001379286.1(ZNF423):c.2546C>T (p.Thr849Met)

Gene: ZNF423 (zinc finger protein 423; minus strand). Cytogenetic location: 16q12.1.
Variant type: single nucleotide variant.
Coding change: c.2546C>T on transcript NM_001379286.1 (MANE Select); coding-DNA position 2546, C replaced by T.
Protein change: p.Thr849Met; replaces threonine 849 with methionine.
Molecular consequence: missense variant.
Genome position (GRCh38, 1-based): chr16:49,636,630, G>A on the plus strand (C>T on the coding strand, the complement: ZNF423 is on the minus strand). VCF-style: chr16-49636630-G-A. GRCh37 (hg19) VCF-style: chr16-49670541-G-A.
Other names: c.2342C>T, p.Thr781Met (NM_001271620.2); c.2171C>T, p.Thr724Met (NM_001330533.2); c.2522C>T, p.Thr841Met (NM_015069.5); c.2522C>T (NM_015069.2); short protein forms T724M, T781M, T841M, T849M.
Identifiers: ClinVar variation 1058440 (VCV001058440.5), dbSNP rs375710152, ClinGen allele CA8046485.
Genomic context (GRCh38, chr16:49,636,630, plus strand): 5'-ATGCCCTGCAGGTCAGCAGGCTCAGCTTTCTTGGTGGCCATTGGGGGTACCCCATTGGCC[G>A]TGCCGTTCTCGGTCGCAGCATCAAACACACAGTGCTTCTCCCGCAGGTGCTTCTCCAGCA-3'
Protein context (NP_001366215.1, residues 839-859): CVFDAATENG[Thr849Met]ANGVPPMATK